The following is an entry in ClinVar:

NC_000007.13:g.(?_117282468)_(117288374_?)del

Gene: CFTR (CF transmembrane conductance regulator; plus strand). Cytogenetic location: 7q31.2.
Variant type: Deletion.
Identifiers: ClinVar variation 1067530 (VCV001067530.7).

ClinVar aggregate classification (germline): Likely pathogenic (1 of 4 stars; one submission).

Conditions:
Cystic fibrosis (CF). Also called: MUCOVISCIDOSIS. Identifiers: Orphanet 586, MedGen C0010674, MONDO:0009061, OMIM 219700. Disease mechanism: loss of function.

Submission:

Labcorp Genetics (formerly Invitae), Labcorp
Classification: Likely pathogenic for Cystic fibrosis. Last evaluated: 2020-12-16. Review status: criteria provided, single submitter. Criteria: Invitae Variant Classification Sherloc (09022015). Collection method: clinical testing. Allele origin: germline.
Comment: In summary, the currently available evidence indicates that the variant is pathogenic, but additional data are needed to prove that conclusively. Therefore, this variant has been classified as Likely Pathogenic. This variant disrupts the p.Gly1244 amino acid residue in CFTR. Other variant(s) that disrupt this residue have been determined to be pathogenic (PMID: 23974870, 21520337, 22020151, 10923036, 10636451, 11242048). This suggests that this residue is clinically significant, and that variants that disrupt this residue are likely to be disease-causing. This variant has not been reported in the literature in individuals with CFTR-related conditions. This variant is an in-frame deletion of the genomic region encompassing exon(s) 23 of the CFTR gene. It preserves the integrity of the reading frame.

Literature cited by the submitters: PubMed 23974870; PubMed 21520337; PubMed 22020151; PubMed 10923036; PubMed 10636451; PubMed 11242048.